The following is an entry in ClinVar:

ClinVar aggregate classification (germline): Uncertain significance. Review status: criteria provided, multiple submitters, no conflicts (2 of 4 stars). 6 submissions from 6 submitters: Uncertain significance (5). 1 of the submissions does not count toward it. Last evaluated 2025-07-14.

Conditions:
Inborn genetic diseases. Identifiers: MedGen C0950123, MeSH D030342.
Mucolipidosis type II. Also called: Mucolipidosis II Alpha/Beta; Mucolipidosis 2; ML 2; Inclusion cell disease; Leroy Disease; N-acetylglucosamine 1phosphotransferase deficiency. Identifiers: Orphanet 576, MedGen C2673377, MONDO:0009650, OMIM 252500.
Pseudo-Hurler polydystrophy. Also called: MUCOLIPIDOSIS IIIA; ML IIIA; Mucolipidosis III Alpha/Beta; Type III Mucolipidosis; ML III; ML III ALPHA/BETA. Identifiers: Orphanet 423461, Orphanet 577, MedGen C0033788, MONDO:0018931, OMIM 252600.

Allele frequency attached by ClinVar (database versions not stated): TOPMed 0.00005; gnomAD exomes 0.00001 and 0.00004; gnomAD 0.00009 and 0.00010; 1000 Genomes Project 30x 0.00047; ExAC 0.00002; 1000 Genomes Project 0.00060.
gnomAD v4.1: 43 of 1,614,150 alleles (0.0027%); highest among the groups gnomAD compares: African/African-American, 0.044%; no homozygotes.

Submissions (6):

Mayo Clinic Laboratories, Mayo Clinic
Classification: Uncertain significance. Last evaluated: 2025-07-14. Review status: criteria provided, single submitter. Criteria: ACMG Guidelines, 2015. Collection method: clinical testing. Allele origin: germline. Observed: 1 variant allele.
Comment: PM2_supporting

Labcorp Genetics (formerly Invitae), Labcorp
Classification: Uncertain significance for Pseudo-Hurler polydystrophy; Mucolipidosis type II. Last evaluated: 2022-09-30. Review status: criteria provided, single submitter. Criteria: Invitae Variant Classification Sherloc (09022015). Collection method: clinical testing. Allele origin: germline.
Comment: This sequence change replaces glutamine, which is neutral and polar, with arginine, which is basic and polar, at codon 967 of the GNPTAB protein (p.Gln967Arg). This variant is present in population databases (rs192687061, gnomAD 0.05%). This variant has not been reported in the literature in individuals affected with GNPTAB-related conditions. ClinVar contains an entry for this variant (Variation ID: 550844). Advanced modeling of protein sequence and biophysical properties (such as structural, functional, and spatial information, amino acid conservation, physicochemical variation, residue mobility, and thermodynamic stability) performed at Invitae indicates that this missense variant is not expected to disrupt GNPTAB protein function. In summary, the available evidence is currently insufficient to determine the role of this variant in disease. Therefore, it has been classified as a Variant of Uncertain Significance.

Ambry Genetics
Classification: Uncertain significance for Inborn genetic diseases. Last evaluated: 2021-10-13. Review status: criteria provided, single submitter. Criteria: Ambry Variant Classification Scheme 2023. Collection method: clinical testing. Allele origin: germline.

Dubai Health Genomic Medicine Center, Dubai Health
Classification: Uncertain significance. Last evaluated: 2020-03-25. Review status: criteria provided, single submitter. Criteria: ACMG Guidelines, 2015. Collection method: clinical testing. Allele origin: germline. Affected: yes.

Fulgent Genetics
Classification: Uncertain significance for Mucolipidosis type II; Pseudo-Hurler polydystrophy. Last evaluated: 2018-10-31. Review status: criteria provided, single submitter. Criteria: ACMG Guidelines, 2015. Collection method: clinical testing. Allele origin: unknown.

Counsyl
Classification: Uncertain significance for Mucolipidosis type II; Pseudo-Hurler polydystrophy. Last evaluated: 2017-02-24. Review status: no assertion criteria provided. Collection method: clinical testing. Allele origin: unknown. Not counted in ClinVar's aggregate classification.

Literature cited by the submitters: PubMed 26130485 (cited by Counsyl).

NM_024312.5(GNPTAB):c.2900A>G (p.Gln967Arg)

Gene: GNPTAB (N-acetylglucosamine-1-phosphate transferase subunits alpha and beta; minus strand). Cytogenetic location: 12q23.2.
Variant type: single nucleotide variant.
Coding change: c.2900A>G on transcript NM_024312.5 (MANE Select); coding-DNA position 2900, A replaced by G.
Protein change: p.Gln967Arg; replaces glutamine 967 with arginine.
Molecular consequence: missense variant.
Genome position (GRCh38, 1-based): chr12:101,761,579, T>C on the plus strand (A>G on the coding strand, the complement: GNPTAB is on the minus strand). VCF-style: chr12-101761579-T-C. GRCh37 (hg19) VCF-style: chr12-102155357-T-C.
Other names: p.Gln967Arg; short protein forms Q967R.
Identifiers: ClinVar variation 550844 (VCV000550844.9), dbSNP rs192687061, ClinGen allele CA6746324.
Genomic context (GRCh38, chr12:101,761,579, plus strand): 5'-TAGTTCTGAACACAAGCAAACAACTCAAACACGAGCAAGACTTACATATCTTGCAGTTCT[T>C]GCATAACAATCCGGTCAATCATGTGAGGCATGTGAGCAGGGACTTTCCGCGATGTGAATC-3'
Protein context (NP_077288.2, residues 957-977): MPHMIDRIVM[Gln967Arg]ELQDMFPEEF